The following is an entry in ClinVar:

NM_004621.6(TRPC6):c.1515G>A (p.Met505Ile)

Gene: TRPC6 (transient receptor potential cation channel subfamily C member 6; minus strand). Cytogenetic location: 11q22.1.
Variant type: single nucleotide variant.
Coding change: c.1515G>A on transcript NM_004621.6 (MANE Select); coding-DNA position 1515, G replaced by A.
Protein change: p.Met505Ile; replaces methionine 505 with isoleucine.
Molecular consequence: missense variant.
Genome position (GRCh38, 1-based): chr11:101,476,530, C>T on the plus strand (G>A on the coding strand, the complement: TRPC6 is on the minus strand). VCF-style: chr11-101476530-C-T. GRCh37 (hg19) VCF-style: chr11-101347261-C-T.
Other names: short protein forms M505I.
Identifiers: ClinVar variation 2108777 (VCV002108777.4), dbSNP rs908640812, ClinGen allele CA227514136.

ClinVar aggregate classification (germline): Uncertain significance (1 of 4 stars; one submission).

Allele frequency attached by ClinVar (database versions not stated): TOPMed 0.00003; gnomAD 0.00004; gnomAD exomes below 0.00001.
gnomAD v4.1: 8 of 1,612,650 alleles (0.0005%); highest among the groups gnomAD compares: African/African-American, 0.011%; no homozygotes.

Submission:

Labcorp Genetics (formerly Invitae), Labcorp
Classification: Uncertain significance. Last evaluated: 2025-06-12. Review status: criteria provided, single submitter. Criteria: Invitae Variant Classification Sherloc (09022015). Collection method: clinical testing. Allele origin: germline.
Comment: This sequence change replaces methionine, which is neutral and non-polar, with isoleucine, which is neutral and non-polar, at codon 505 of the TRPC6 protein (p.Met505Ile). This variant is present in population databases (no rsID available, gnomAD 0.01%). This variant has not been reported in the literature in individuals affected with TRPC6-related conditions. ClinVar contains an entry for this variant (Variation ID: 2108777). Invitae Evidence Modeling of protein sequence and biophysical properties (such as structural, functional, and spatial information, amino acid conservation, physicochemical variation, residue mobility, and thermodynamic stability) indicates that this missense variant is not expected to disrupt TRPC6 protein function with a negative predictive value of 95%. In summary, the available evidence is currently insufficient to determine the role of this variant in disease. Therefore, it has been classified as a Variant of Uncertain Significance.